The following is an entry in ClinVar:

ClinVar aggregate classification (germline): Pathogenic (1 of 4 stars; one submission).

Conditions:
Hereditary cancer-predisposing syndrome. Also called: Neoplastic Syndromes, Hereditary; Tumor predisposition; Hereditary neoplastic syndrome; Hereditary Cancer Syndrome. Identifiers: Orphanet 140162, MedGen C0027672, MeSH D009386, MONDO:0015356.

Submission:

Ambry Genetics
Classification: Pathogenic for Hereditary cancer-predisposing syndrome. Last evaluated: 2023-03-08. Review status: criteria provided, single submitter. Criteria: Ambry Variant Classification Scheme 2023. Collection method: clinical testing. Allele origin: germline.
Comment: The c.6355delG pathogenic mutation, located in coding exon 15 of the APC gene, results from a deletion of one nucleotide at nucleotide position 6355, causing a translational frameshift with a predicted alternate stop codon (p.A2119Lfs*20). This alteration has been observed in at least one individual with a personal and/or family history that is consistent with APC-related disease (Ambry internal data). This variant is considered to be rare based on population cohorts in the Genome Aggregation Database (gnomAD). This alteration is expected to result in loss of function by premature protein truncation or nonsense-mediated mRNA decay. As such, this alteration is interpreted as a disease-causing mutation.

NM_000038.6(APC):c.6355del (p.Ala2119fs)

Gene: APC (APC regulator of Wnt signaling pathway; plus strand). Cytogenetic location: 5q22.2.
Variant type: Deletion.
Coding change: c.6355del on transcript NM_000038.6 (MANE Select); coding-DNA position 6355, one base deleted (G; older notation c.6355delG).
Protein change: p.Ala2119fs; shifts the reading frame from alanine 2119.
Molecular consequence: frameshift variant. On other transcripts: non-coding transcript variant (2).
Genome position (GRCh38, 1-based): chr5:112,841,949, G deleted. VCF-style (leftmost placement, unchanged base first): chr5-112841948-TG-T. GRCh37 (hg19) VCF-style: chr5-112177645-TG-T.
Other names: c.6355del, p.Ala2119fs (NM_001127510.3, NM_001354895.2, NM_001407450.1); c.6301del, p.Ala2101fs (NM_001127511.3); c.6409del, p.Ala2137fs (NM_001354896.2, NM_001407447.1, NM_001407448.1 and 1 more transcripts); c.6385del, p.Ala2129fs (NM_001354897.2); c.6280del, p.Ala2094fs (NM_001354898.2); c.6271del, p.Ala2091fs (NM_001354899.2); c.6232del, p.Ala2078fs (NM_001354900.2); c.6178del, p.Ala2060fs (NM_001354901.2, NM_001407453.1); and 11 more; short protein forms A1993fs, A2018fs, A2078fs, A2091fs, A2119fs, A2137fs, A2101fs, A2112fs.
Identifiers: ClinVar variation 2452757 (VCV002452757.2), dbSNP rs2533708604, ClinGen allele CA2580072327.
Genomic context (GRCh38, chr5:112,841,948, plus strand): 5'-TTTTGATTGGAAAGCTATTCAGGAAGGTGCAAATTCCATAGTAAGTAGTTTACATCAAGC[TG>T]CTGCTGCTGCATGTTTATCTAGACAAGCTTCGTCTGATTCAGATTCCATCCTTTCCCTGA-3'